The following is an entry in ClinVar:

ClinVar aggregate classification (germline): Uncertain significance (1 of 4 stars; one submission).

Conditions:
Neuropathy, hereditary sensory, type 1F. Also called: HSN IF; Hereditary sensory neuropathy type IF. Identifiers: Orphanet 36386, MedGen C3810194, MONDO:0014286, OMIM 615632.

Submission:

Labcorp Genetics (formerly Invitae), Labcorp
Classification: Uncertain significance for Neuropathy, hereditary sensory, type 1F. Last evaluated: 2019-04-10. Review status: criteria provided, single submitter. Criteria: Invitae Variant Classification Sherloc (09022015). Collection method: clinical testing. Allele origin: germline.
Comment: This variant has not been reported in the literature in individuals with ATL3-related conditions. Algorithms developed to predict the effect of missense changes on protein structure and function (SIFT, PolyPhen-2, Align-GVGD) all suggest that this variant is likely to be tolerated, but these predictions have not been confirmed by published functional studies and their clinical significance is uncertain. In summary, the available evidence is currently insufficient to determine the role of this variant in disease. Therefore, it has been classified as a Variant of Uncertain Significance. This variant is not present in population databases (ExAC no frequency). This sequence change replaces lysine with arginine at codon 88 of the ATL3 protein (p.Lys88Arg). The lysine residue is moderately conserved and there is a small physicochemical difference between lysine and arginine.

NM_015459.5(ATL3):c.263A>G (p.Lys88Arg)

Genes: ATL3 (atlastin GTPase 3; minus strand), LNCROPM (lncRNA regulator of PLAAT3 mediated phospholipid metabolism; plus strand). Cytogenetic location: 11q13.1.
Variant type: single nucleotide variant.
Coding change: c.263A>G on transcript NM_015459.5 (MANE Select); coding-DNA position 263, A replaced by G.
Protein change: p.Lys88Arg; replaces lysine 88 with arginine.
Molecular consequence: missense variant.
Genome position (GRCh38, 1-based): chr11:63,658,903, T>C on the plus strand (A>G on the coding strand, the complement: ATL3 is on the minus strand). VCF-style: chr11-63658903-T-C. GRCh37 (hg19) VCF-style: chr11-63426375-T-C.
Other names: c.209A>G, p.Lys70Arg (NM_001290048.2); short protein forms K70R, K88R.
Identifiers: ClinVar variation 851471 (VCV000851471.9), dbSNP rs1940338597, ClinGen allele CA381030504.
Genomic context (GRCh38, chr11:63,658,903, plus strand): 5'-CAGGAAAATCCTGTTAACGGTTCTTCTGGGTCACCCAACCAATTTGAATGGCCACTTTCC[T>C]TCTACAGAAGTAAGAAATTTCTATTAAATCTTAAATTAAAAATTTTATGCATCAAGGATA-3'
Protein context (NP_056274.3, residues 78-98): DFMLRYLYSQ[Lys88Arg]ESGHSNWLGD